The following is an entry in ClinVar:

NM_001267550.2(TTN):c.56288C>T (p.Thr18763Ile)

Genes: TTN (titin; minus strand), TTN-AS1 (TTN antisense RNA 1; plus strand). Cytogenetic location: 2q31.2.
Variant type: single nucleotide variant.
Coding change: c.56288C>T on transcript NM_001267550.2 (MANE Select); coding-DNA position 56288, C replaced by T.
Protein change: p.Thr18763Ile; replaces threonine 18763 with isoleucine.
Molecular consequence: missense variant. On other transcripts: non-coding transcript variant (1).
Genome position (GRCh38, 1-based): chr2:178,599,613, G>A on the plus strand (C>T on the coding strand, the complement: TTN is on the minus strand). VCF-style: chr2-178599613-G-A. GRCh37 (hg19) VCF-style: chr2-179464340-G-A.
Other names: c.51365C>T, p.Thr17122Ile (NM_001256850.1); c.29093C>T, p.Thr9698Ile (NM_003319.4); c.48584C>T, p.Thr16195Ile (NM_133378.4); c.29468C>T, p.Thr9823Ile (NM_133432.3); c.29669C>T, p.Thr9890Ile (NM_133437.4); short protein forms T17122I, T9890I, T18763I, T9823I, T16195I, T9698I.
Identifiers: ClinVar variation 1797538 (VCV001797538.3), dbSNP rs746218913, ClinGen allele CA349533324.
Genomic context (GRCh38, chr2:178,599,613, plus strand): 5'-CCCAGGACATTCAGTCTCATCTCCTTTGATGCTGTTCCCAGATTATTTACAGCTGTGATG[G>A]TATATAAGCCAGTGTCACTCCTGCGAGACTGCGGAATAACTAAAGTGCAAGTATCATCTA-3'
Protein context (NP_001254479.2, residues 18753-18773): QSRRSDTGLY[Thr18763Ile]ITAVNNLGTA

ClinVar aggregate classification (germline): Uncertain significance. Review status: criteria provided, multiple submitters, no conflicts (2 of 4 stars). 2 submissions from 2 submitters: Uncertain significance (2). Last evaluated 2025-05-21.

Conditions:
Cardiovascular phenotype. Identifiers: MedGen CN230736.

Allele frequency attached by ClinVar (database versions not stated): gnomAD 0.00001.
gnomAD v4.1: 19 of 1,609,468 alleles (0.0012%); highest among the groups gnomAD compares: Non-Finnish European, 0.0014%; no homozygotes.

Submissions (2):

GeneDx
Classification: Uncertain significance. Last evaluated: 2025-05-21. Review status: criteria provided, single submitter. Criteria: GeneDx Variant Classification Process June 2021. Collection method: clinical testing. Allele origin: germline. Affected: yes.
Comment: Not observed at significant frequency in large population cohorts (gnomAD); Missense variant in a gene in which most reported pathogenic variants are truncating/loss of function; Has not been previously published as pathogenic or benign to our knowledge

Ambry Genetics
Classification: Uncertain significance for Cardiovascular phenotype. Last evaluated: 2018-05-07. Review status: criteria provided, single submitter. Criteria: Ambry Variant Classification Scheme 2023. Collection method: clinical testing. Allele origin: germline.
Comment: The p.T9698I variant (also known as c.29093C>T), located in coding exon 116 of the TTN gene, results from a C to T substitution at nucleotide position 29093. The threonine at codon 9698 is replaced by isoleucine, an amino acid with similar properties. This amino acid position is not well conserved in available vertebrate species. In addition, this alteration is predicted to be tolerated by in silico analysis. Since supporting evidence is limited at this time, the clinical significance of this alteration remains unclear.